The following is an entry in ClinVar:

NM_006946.4(SPTBN2):c.3938A>C (p.His1313Pro)

Gene: SPTBN2 (spectrin beta, non-erythrocytic 2; minus strand). Cytogenetic location: 11q13.2.
Variant type: single nucleotide variant.
Coding change: c.3938A>C on transcript NM_006946.4 (MANE Select); coding-DNA position 3938, A replaced by C.
Protein change: p.His1313Pro; replaces histidine 1313 with proline.
Molecular consequence: missense variant.
Genome position (GRCh38, 1-based): chr11:66,698,715, T>G on the plus strand (A>C on the coding strand, the complement: SPTBN2 is on the minus strand). VCF-style: chr11-66698715-T-G. GRCh37 (hg19) VCF-style: chr11-66466186-T-G.
Other names: short protein forms H1313P.
Identifiers: ClinVar variation 429462 (VCV000429462.3), dbSNP rs748517894, ClinGen allele CA6128705.
Genomic context (GRCh38, chr11:66,698,715, plus strand): 5'-AGCCAGTCTTTGTTGGCAGCCAGCTCGGCCATGAATGCCTGGTGCTTCTGCCACTTAGTA[T>G]GCAGGTTGCGGGCCTCGTCATAGGACACGTCCTGGGCTGTCAGCATCTTCTCGTCGATCC-3'
Protein context (NP_008877.2, residues 1303-1323): DVSYDEARNL[His1313Pro]TKWQKHQAFM

ClinVar aggregate classification (germline): Uncertain significance (1 of 4 stars; one submission).

Allele frequency attached by ClinVar (database versions not stated): gnomAD exomes below 0.00001 and 0.00001; ExAC 0.00001; TOPMed 0.00001.
gnomAD v4.1: 4 of 1,614,250 alleles (0.00025%); highest among the groups gnomAD compares: Admixed American, 0.0033%; no homozygotes.

Submission:

GeneDx
Classification: Uncertain significance. Last evaluated: 2023-05-21. Review status: criteria provided, single submitter. Criteria: GeneDx Variant Classification Process June 2021. Collection method: clinical testing. Allele origin: germline. Affected: yes.
Comment: In silico analysis supports that this missense variant has a deleterious effect on protein structure/function; Has not been previously published as pathogenic or benign to our knowledge